The following is an entry in ClinVar:

NM_001267052.2(UNC45B):c.1544G>T (p.Arg515Leu)

Gene: UNC45B (unc-45 myosin chaperone B; plus strand). Cytogenetic location: 17q12.
Variant type: single nucleotide variant.
Coding change: c.1544G>T on transcript NM_001267052.2 (MANE Select); coding-DNA position 1544, G replaced by T.
Protein change: p.Arg515Leu; replaces arginine 515 with leucine.
Molecular consequence: missense variant. On other transcripts: intron variant (1).
Genome position (GRCh38, 1-based): chr17:35,169,928, G>T. VCF-style: chr17-35169928-G-T. GRCh37 (hg19) VCF-style: chr17-33496947-G-T.
Other names: c.1544G>T, p.Arg515Leu (NM_001033576.2, NM_173167.3); c.1453-1394G>T (NM_001308281.1); short protein forms R515L.
Identifiers: ClinVar variation 1384143 (VCV001384143.8), dbSNP rs148629409, ClinGen allele CA8501169.

ClinVar aggregate classification (germline): Uncertain significance (1 of 4 stars; one submission).

Allele frequency attached by ClinVar (database versions not stated): ESP Exome Variant Server 0.00008; 1000 Genomes Project 30x 0.00016.
gnomAD v4.1: 26 of 1,614,112 alleles (0.0016%); highest among the groups gnomAD compares: African/African-American, 0.027%; no homozygotes.

Submission:

Labcorp Genetics (formerly Invitae), Labcorp
Classification: Uncertain significance. Last evaluated: 2021-07-20. Review status: criteria provided, single submitter. Criteria: Invitae Variant Classification Sherloc (09022015). Collection method: clinical testing. Allele origin: germline.
Comment: This variant is present in population databases (rs148629409, ExAC 0.03%). This variant has not been reported in the literature in individuals affected with UNC45B-related conditions. Algorithms developed to predict the effect of missense changes on protein structure and function (SIFT, PolyPhen-2, Align-GVGD) all suggest that this variant is likely to be disruptive. In summary, the available evidence is currently insufficient to determine the role of this variant in disease. Therefore, it has been classified as a Variant of Uncertain Significance. This sequence change replaces arginine with leucine at codon 515 of the UNC45B protein (p.Arg515Leu). The arginine residue is highly conserved and there is a moderate physicochemical difference between arginine and leucine.